The following is an entry in ClinVar:

ClinVar aggregate classification (germline): Likely benign. Review status: criteria provided, single submitter (1 of 4 stars). 2 submissions from 2 submitters: Likely benign (1). 1 of the submissions does not count toward it. Last evaluated 2025-11-12.

Conditions:
SKIC3-related disorder. Also called: SKIC3-related condition.

Allele frequency attached by ClinVar (database versions not stated): gnomAD exomes 0.00001; gnomAD 0.00006.
gnomAD v4.1: 12 of 1,613,574 alleles (0.00074%); highest among the groups gnomAD compares: Admixed American, 0.017%; no homozygotes.

Submissions (2):

Labcorp Genetics (formerly Invitae), Labcorp
Classification: Likely benign. Last evaluated: 2025-11-12. Review status: criteria provided, single submitter. Criteria: Invitae Variant Classification Sherloc (09022015). Collection method: clinical testing. Allele origin: germline.

PreventionGenetics, part of Exact Sciences
Classification: Likely benign for SKIC3-related condition. Last evaluated: 2023-04-17. Review status: no assertion criteria provided. Collection method: clinical testing. Allele origin: germline. Not counted in ClinVar's aggregate classification.
Comment: This variant is classified as likely benign based on ACMG/AMP sequence variant interpretation guidelines (Richards et al. 2015 PMID: 25741868, with internal and published modifications).

NM_014639.4(SKIC3):c.2307A>G (p.Ala769=)

Gene: SKIC3 (SKI3 subunit of superkiller complex; minus strand). Cytogenetic location: 5q15.
Variant type: single nucleotide variant.
Coding change: c.2307A>G on transcript NM_014639.4 (MANE Select); coding-DNA position 2307, A replaced by G.
Protein change: p.Ala769=; no amino-acid change (alanine 769 retained).
Molecular consequence: synonymous variant.
Genome position (GRCh38, 1-based): chr5:95,517,045, T>C on the plus strand (A>G on the coding strand, the complement: SKIC3 is on the minus strand). VCF-style: chr5-95517045-T-C. GRCh37 (hg19) VCF-style: chr5-94852749-T-C.
Identifiers: ClinVar variation 3004200 (VCV003004200.5), dbSNP rs1160194324, ClinGen allele CA445717465.